The following is an entry in ClinVar:

NM_001367624.2(ZNF469):c.5108C>G (p.Ser1703Cys)

Gene: ZNF469 (zinc finger protein 469; plus strand). Cytogenetic location: 16q24.2.
Variant type: single nucleotide variant.
Coding change: c.5108C>G on transcript NM_001367624.2 (MANE Select); coding-DNA position 5108, C replaced by G.
Protein change: p.Ser1703Cys; replaces serine 1703 with cysteine.
Molecular consequence: missense variant.
Genome position (GRCh38, 1-based): chr16:88,432,578, C>G. VCF-style: chr16-88432578-C-G. GRCh37 (hg19) VCF-style: chr16-88498986-C-G.
Other names: NM_001127464.1:c.5024C>G; short protein forms S1703C.
Identifiers: ClinVar variation 1744852 (VCV001744852.2), dbSNP rs2507589628, ClinGen allele CA397095354.

ClinVar aggregate classification (germline): Uncertain significance (1 of 4 stars; one submission).

Conditions:
Cardiovascular phenotype. Identifiers: MedGen CN230736.

Submission:

Ambry Genetics
Classification: Uncertain significance for Cardiovascular phenotype. Last evaluated: 2020-09-02. Review status: criteria provided, single submitter. Criteria: Ambry Variant Classification Scheme 2023. Collection method: clinical testing. Allele origin: germline.
Comment: The p.S1675C variant (also known as c.5024C>G), located in coding exon 2 of the ZNF469 gene, results from a C to G substitution at nucleotide position 5024. The serine at codon 1675 is replaced by cysteine, an amino acid with dissimilar properties. This amino acid position is not well conserved in available vertebrate species, and cysteine is the reference amino acid in other vertebrate species. In addition, this alteration is predicted to be tolerated by in silico analysis. Since supporting evidence is limited at this time, the clinical significance of this alteration remains unclear.